The following is an entry in ClinVar:

ClinVar aggregate classification (germline): Uncertain significance (1 of 4 stars; one submission).

Conditions:
Cardiovascular phenotype. Identifiers: MedGen CN230736.
Hereditary cancer-predisposing syndrome. Also called: Hereditary Cancer Syndrome; Neoplastic Syndromes, Hereditary; Tumor predisposition; Hereditary neoplastic syndrome. Identifiers: Orphanet 140162, MedGen C0027672, MeSH D009386, MONDO:0015356.

Submission:

Ambry Genetics
Classification: Uncertain significance for Cardiovascular phenotype; Hereditary cancer-predisposing syndrome. Last evaluated: 2022-09-23. Review status: criteria provided, single submitter. Criteria: Ambry Variant Classification Scheme 2023. Collection method: clinical testing. Allele origin: germline.
Comment: The p.I1782F variant (also known as c.5344A>T), located in coding exon 37 of the NF1 gene, results from an A to T substitution at nucleotide position 5344. The isoleucine at codon 1782 is replaced by phenylalanine, an amino acid with highly similar properties. This amino acid position is conserved. In addition, the in silico prediction for this alteration is inconclusive. Since supporting evidence is limited at this time, the clinical significance of this alteration remains unclear.

NM_001042492.3(NF1):c.5407A>T (p.Ile1803Phe)

Gene: NF1 (neurofibromin 1; plus strand). Cytogenetic location: 17q11.2.
Variant type: single nucleotide variant.
Coding change: c.5407A>T on transcript NM_001042492.3 (MANE Select); coding-DNA position 5407, A replaced by T.
Protein change: p.Ile1803Phe; replaces isoleucine 1803 with phenylalanine.
Molecular consequence: missense variant.
Genome position (GRCh38, 1-based): chr17:31,327,637, A>T. VCF-style: chr17-31327637-A-T. GRCh37 (hg19) VCF-style: chr17-29654655-A-T.
Other names: c.5344A>T, p.Ile1782Phe (NM_000267.4); short protein forms I1782F, I1803F.
Identifiers: ClinVar variation 1746948 (VCV001746948.2), dbSNP rs559910904, ClinGen allele CA399009372.